The following is an entry in ClinVar:

NM_001162498.3(LPAR6):c.238C>T (p.Arg80Trp)

Genes: LPAR6 (lysophosphatidic acid receptor 6; minus strand), RB1 (RB transcriptional corepressor 1; plus strand). Cytogenetic location: 13q14.2.
Variant type: single nucleotide variant.
Coding change: c.238C>T on transcript NM_001162498.3 (MANE Select); coding-DNA position 238, C replaced by T.
Protein change: p.Arg80Trp; replaces arginine 80 with tryptophan.
Molecular consequence: missense variant. On other transcripts: intron variant (2).
Genome position (GRCh38, 1-based): chr13:48,412,186, G>A on the plus strand (C>T on the coding strand, the complement: LPAR6 is on the minus strand). VCF-style: chr13-48412186-G-A. GRCh37 (hg19) VCF-style: chr13-48986322-G-A.
Other names: c.238C>T, p.Arg80Trp (NM_001162497.3, NM_001377316.2, NM_001377317.2 and 1 more transcripts); c.1695+30743G>A (NM_001407165.1, NM_000321.3); short protein forms R80W.
Identifiers: ClinVar variation 1917028 (VCV001917028.5), dbSNP rs764752878, ClinGen allele CA031329.

ClinVar aggregate classification (germline): Uncertain significance (1 of 4 stars; one submission).

Allele frequency attached by ClinVar (database versions not stated): ExAC 0.00002; TOPMed 0.00005.
gnomAD v4.1: 19 of 1,613,792 alleles (0.0012%); highest among the groups gnomAD compares: African/African-American, 0.012%; no homozygotes.

Submission:

Labcorp Genetics (formerly Invitae), Labcorp
Classification: Uncertain significance. Last evaluated: 2024-05-06. Review status: criteria provided, single submitter. Criteria: Invitae Variant Classification Sherloc (09022015). Collection method: clinical testing. Allele origin: germline.
Comment: This sequence change replaces arginine, which is basic and polar, with tryptophan, which is neutral and slightly polar, at codon 80 of the LPAR6 protein (p.Arg80Trp). This variant is present in population databases (rs764752878, gnomAD 0.02%). This variant has not been reported in the literature in individuals affected with LPAR6-related conditions. ClinVar contains an entry for this variant (Variation ID: 1917028). An algorithm developed to predict the effect of missense changes on protein structure and function (PolyPhen-2) suggests that this variant is likely to be disruptive. In summary, the available evidence is currently insufficient to determine the role of this variant in disease. Therefore, it has been classified as a Variant of Uncertain Significance.